The following is an entry in ClinVar:

NM_032861.4(SERAC1):c.442C>T (p.Arg148Ter)

Gene: SERAC1 (serine active site containing 1; minus strand). Cytogenetic location: 6q25.3.
Variant type: single nucleotide variant.
Coding change: c.442C>T on transcript NM_032861.4 (MANE Select); coding-DNA position 442, C replaced by T.
Protein change: p.Arg148Ter; replaces arginine 148 with a stop codon.
Molecular consequence: nonsense. On other transcripts: non-coding transcript variant (1).
Genome position (GRCh38, 1-based): chr6:158,146,827, G>A on the plus strand (C>T on the coding strand, the complement: SERAC1 is on the minus strand). VCF-style: chr6-158146827-G-A. GRCh37 (hg19) VCF-style: chr6-158567859-G-A.
Other names: short protein forms R148*.
Identifiers: ClinVar variation 35556 (VCV000035556.35), dbSNP rs387907236, ClinGen allele CA260099.

ClinVar aggregate classification (germline): Pathogenic. Review status: criteria provided, multiple submitters, no conflicts (2 of 4 stars). 11 submissions from 11 submitters: Pathogenic (7). 4 of the submissions do not count toward it. Last evaluated 2024-03-14.

Conditions:
3-methylglutaconic aciduria with deafness, encephalopathy, and Leigh-like syndrome (MEGDEL). Also called: SERAC1 Deficiency; 3-METHYLGLUTACONIC ACIDURIA, TYPE VI; MEGDEL syndrome. Identifiers: Orphanet 352328, MedGen C4040739, MONDO:0013875, OMIM 614739.

Allele frequency attached by ClinVar (database versions not stated): ExAC 0.00002; TOPMed below 0.00001; gnomAD 0.00001; gnomAD exomes 0.00002.
gnomAD v4.1: 15 of 1,613,802 alleles (0.00093%); highest among the groups gnomAD compares: East Asian, 0.0089%; no homozygotes.

Submissions (11):

Genomic Medicine Center of Excellence, King Faisal Specialist Hospital and Research Centre
Classification: Pathogenic for 3-methylglutaconic aciduria with deafness, encephalopathy, and Leigh-like syndrome. Last evaluated: 2024-03-14. Review status: criteria provided, single submitter. Criteria: ACMG Guidelines, 2015. Collection method: research. Allele origin: germline.

Genome-Nilou Lab
Classification: Pathogenic for 3-methylglutaconic aciduria with deafness, encephalopathy, and Leigh-like syndrome. Last evaluated: 2022-03-15. Review status: criteria provided, single submitter. Criteria: ACMG Guidelines, 2015. Collection method: clinical testing. Allele origin: germline. Affected: no.

Institute of Medical Genetics and Applied Genomics, University Hospital Tübingen
Classification: Pathogenic. Last evaluated: 2020-10-23. Review status: criteria provided, single submitter. Criteria: ACMG Guidelines, 2015. Collection method: clinical testing. Allele origin: germline. Inheritance: Unknown mechanism. Affected: yes.

Center for Molecular Medicine, Children’s Hospital of Fudan University
Classification: Pathogenic for 3-methylglutaconic aciduria with deafness, encephalopathy, and Leigh-like syndrome. Last evaluated: 2019-05-10. Review status: criteria provided, single submitter. Criteria: ACMG Guidelines, 2015. Collection method: clinical testing. Allele origin: inherited. Affected: yes.

Baylor Genetics
Classification: Pathogenic for 3-methylglutaconic aciduria with deafness, encephalopathy, and Leigh-like syndrome. Last evaluated: 2017-12-31. Review status: criteria provided, single submitter. Criteria: ACMG Guidelines, 2015. Collection method: clinical testing. Allele origin: germline. Affected: yes.

GeneDx
Classification: Pathogenic. Last evaluated: 2016-11-14. Review status: criteria provided, single submitter. Criteria: GeneDx Variant Classification (06012015). Collection method: clinical testing. Allele origin: germline. Affected: yes.
Comment: The R148X nonsense variant has been reported previously in association with 3-methylglutaconic aciduria with deafness, encephalopathy, and Leigh-like syndrome (MEGDEL) (Wortmann et al. (2012). The R148X variant was not observed in approximately 6500 individuals of European and African American ancestry in the NHLBI Exome Sequencing Project, indicating it is not a common benign variant in these populations. This variant is predicted to cause loss of normal protein function either through protein truncation or nonsense-mediated mRNA decay. In summary, we interpret R148X to be pathogenic.

Juno Genomics, Hangzhou Juno Genomics, Inc
Classification: Pathogenic for 3-methylglutaconic aciduria with deafness, encephalopathy, and Leigh-like syndrome. Review status: criteria provided, single submitter. Criteria: ACMG Guidelines, 2015. Collection method: clinical testing. Allele origin: germline.
Comment: Absent from controls (or at extremely low frequency if recessive) in Genome Aggregation Database.;Null variant in a gene where loss of function (LOF) is a known mechanism of disease.;For recessive disorders, detected in trans with a pathogenic variant.

Clinical Laboratory Sciences Program (CLSP), King Saud bin Abdulaziz University for Health Sciences (KSAU-HS)
Classification: Pathogenic for 3-methylglutaconic aciduria with deafness, encephalopathy, and Leigh-like syndrome. Last evaluated: 2023-04-01. Review status: no assertion criteria provided. Collection method: clinical testing. Allele origin: germline. Affected: yes. Not counted in ClinVar's aggregate classification.

Biochemical Molecular Genetic Laboratory, King Abdulaziz Medical City
Classification: Likely pathogenic for 3-methylglutaconic aciduria with deafness, encephalopathy, and Leigh-like syndrome. Last evaluated: 2019-09-26. Review status: no assertion criteria provided. Collection method: clinical testing. Allele origin: germline. Affected: yes. Not counted in ClinVar's aggregate classification.

OMIM
Classification: Pathogenic for 3-METHYLGLUTACONIC ACIDURIA WITH DEAFNESS, ENCEPHALOPATHY, AND LEIGH-LIKE SYNDROME. Last evaluated: 2012-06-10. Review status: no assertion criteria provided. Collection method: literature only. Allele origin: germline. Not counted in ClinVar's aggregate classification.

Pathology and Clinical Laboratory Medicine, King Fahad Medical City
Classification: Likely pathogenic for 3-methylglutaconic aciduria with deafness, encephalopathy, and Leigh-like syndrome. Review status: no assertion criteria provided. Criteria: ACMG Guidelines, 2015. Collection method: clinical testing. Allele origin: germline. Affected: yes. Not counted in ClinVar's aggregate classification.

Literature cited by the submitters: PubMed 22683713 (cited by Baylor Genetics); PubMed 28482397 (cited by Baylor Genetics); Wortmann, S., Rodenburg, R. J. T., Huizing, M., Loupatty, F. J., de Koning, T., Kluijtmans, L. A. J., Engelke, U., Wevers, R., Smeitink, J. A. M., Morava, E. Association of 3-methylglutaconic aciduria with sensori-neural deafness, encephalopathy, and Leigh-like syndrome (MEGDEL association) in four patients with a disorder of the oxidative phosphorylation. Molec. Genet. Metab. 88: 47-52, 2006. (cited by OMIM); Wortmann, S. B., Vaz, F. M., Gardeitchik, T., Vissers, L. E. L. M., Renkema, G. H., Schuurs-Hoeijmakers, J. H. M., Kulik, W., Lammens, M., Christin, C., Kluijtmans, L. A. J., Rodenburg, R. J., Nijtmans, L. G. J., and 22 others Mutations in the phospholipid remodeling gene SERCA1 impair mitochondrial function and intracellular cholesterol trafficking and cause dystonia and deafness. Nature Genet. 44: 797-802, 2012. (cited by OMIM); PubMed 24997715 (cited by OMIM).